The following is an entry in ClinVar:

ClinVar aggregate classification (germline): Conflicting classifications of pathogenicity. Review status: criteria provided, conflicting classifications (1 of 4 stars). 4 submissions from 4 submitters: Uncertain significance (3); Likely benign (1). Last evaluated 2025-12-14.

Conditions:
Congenital ichthyosis of skin. Identifiers: MedGen C0020758.
Autosomal recessive congenital ichthyosis 4A (LI2). Also called: ICHTHYOSIS CONGENITA IIB. Identifiers: Orphanet 313, MedGen C1832550, MONDO:0011026, OMIM 601277.
Autosomal recessive congenital ichthyosis 4B (ARCI4B). Also called: Harlequin Fetus; HARLEQUIN ICHTHYOSIS; ICHTHYOSIS CONGENITA, HARLEQUIN FETUS TYPE; Ichthyosis, congenital, autosomal recessive 4B (harlequin). Identifiers: Orphanet 457, MedGen C0598226, MONDO:0009443, OMIM 242500.

Allele frequency attached by ClinVar (database versions not stated): gnomAD 0.00007 and 0.00010; gnomAD exomes 0.00012 and 0.00016; TOPMed 0.00012; ExAC 0.00016; 1000 Genomes Project 30x 0.00031; 1000 Genomes Project 0.00040.
gnomAD v4.1: 184 of 1,613,848 alleles (0.011%); highest among the groups gnomAD compares: East Asian, 0.36%; no homozygotes.

Submissions (4):

Labcorp Genetics (formerly Invitae), Labcorp
Classification: Likely benign. Last evaluated: 2025-12-14. Review status: criteria provided, single submitter. Criteria: Invitae Variant Classification Sherloc (09022015). Collection method: clinical testing. Allele origin: germline.

Blueprint Genetics
Classification: Uncertain significance. Last evaluated: 2024-10-21. Review status: criteria provided, single submitter. Criteria: ACMG Guidelines, 2015. Collection method: clinical testing. Allele origin: germline.

Fulgent Genetics
Classification: Uncertain significance for Autosomal recessive congenital ichthyosis 4B; Autosomal recessive congenital ichthyosis 4A. Last evaluated: 2022-01-06. Review status: criteria provided, single submitter. Criteria: ACMG Guidelines, 2015. Collection method: clinical testing. Allele origin: unknown.

Illumina Laboratory Services, Illumina
Classification: Uncertain significance for Congenital ichthyosis of skin. Last evaluated: 2017-04-27. Review status: criteria provided, single submitter. Criteria: ICSL Variant Classification Criteria 13 December 2019. Collection method: clinical testing. Allele origin: germline.
Comment: This variant was observed as part of a predisposition screen in an ostensibly healthy population. A literature search was performed for the gene, cDNA change, and amino acid change (where applicable). Publications were found based on this search. However, the evidence from the literature, in combination with allele frequency data from public databases where available, was not sufficient to rule this variant in or out of causing disease. Therefore, this variant is classified as a variant of unknown significance.

Literature cited by the submitters: PubMed 19262603 (cited by Illumina Laboratory Services, Illumina).

NM_173076.3(ABCA12):c.5393C>T (p.Pro1798Leu)

Gene: ABCA12 (ATP binding cassette subfamily A member 12; minus strand). Cytogenetic location: 2q35.
Variant type: single nucleotide variant.
Coding change: c.5393C>T on transcript NM_173076.3 (MANE Select); coding-DNA position 5393, C replaced by T.
Protein change: p.Pro1798Leu; replaces proline 1798 with leucine.
Molecular consequence: missense variant. On other transcripts: non-coding transcript variant (1).
Genome position (GRCh38, 1-based): chr2:214,974,853, G>A on the plus strand (C>T on the coding strand, the complement: ABCA12 is on the minus strand). VCF-style: chr2-214974853-G-A. GRCh37 (hg19) VCF-style: chr2-215839577-G-A.
Other names: c.4439C>T, p.Pro1480Leu (NM_015657.4); short protein forms P1480L, P1798L.
Identifiers: ClinVar variation 899256 (VCV000899256.9), dbSNP rs181314573, ClinGen allele CA2091230.